The following is an entry in ClinVar:

NM_032119.4(ADGRV1):c.14443G>A (p.Glu4815Lys)

Gene: ADGRV1 (adhesion G protein-coupled receptor V1; plus strand). Cytogenetic location: 5q14.3.
Variant type: single nucleotide variant.
Coding change: c.14443G>A on transcript NM_032119.4 (MANE Select); coding-DNA position 14443, G replaced by A.
Protein change: p.Glu4815Lys; replaces glutamic acid 4815 with lysine.
Molecular consequence: missense variant. On other transcripts: non-coding transcript variant (1).
Genome position (GRCh38, 1-based): chr5:90,791,272, G>A. VCF-style: chr5-90791272-G-A. GRCh37 (hg19) VCF-style: chr5-90087089-G-A.
Other names: c.14443G>A (NM_032119.3); short protein forms E4815K.
Identifiers: ClinVar variation 1005067 (VCV001005067.7), dbSNP rs1047853698, ClinGen allele CA122811367.

ClinVar aggregate classification (germline): Uncertain significance. Review status: criteria provided, multiple submitters, no conflicts (2 of 4 stars). 2 submissions from 2 submitters: Uncertain significance (2). Last evaluated 2026-08-05.

Conditions:
ADGRV1-related disorder. Also called: ADGRV1-related condition; ADGRV1-related disorders.

Allele frequency attached by ClinVar (database versions not stated): gnomAD exomes 0.00001; gnomAD 0.00002; TOPMed 0.00003.
gnomAD v4.1: 19 of 1,606,920 alleles (0.0012%); highest among the groups gnomAD compares: East Asian, 0.0022%; no homozygotes.

Submissions (2):

PreventionGenetics, part of Exact Sciences
Classification: Uncertain significance for ADGRV1-related condition. Last evaluated: 2026-08-05. Review status: criteria provided, single submitter. Criteria: ACMG Guidelines, 2015. Collection method: clinical testing. Allele origin: germline.
Comment: The ADGRV1 c.14443G>A variant is predicted to result in the amino acid substitution p.Glu4815Lys. To our knowledge, this variant has not been reported in the literature. This variant is reported in 0.0016% of alleles in individuals of European (Non-Finnish) descent in gnomAD. At this time, the clinical significance of this variant is uncertain due to the absence of conclusive functional and genetic evidence.

Labcorp Genetics (formerly Invitae), Labcorp
Classification: Uncertain significance. Last evaluated: 2022-05-13. Review status: criteria provided, single submitter. Criteria: Invitae Variant Classification Sherloc (09022015). Collection method: clinical testing. Allele origin: germline.
Comment: This sequence change replaces glutamic acid, which is acidic and polar, with lysine, which is basic and polar, at codon 4815 of the ADGRV1 protein (p.Glu4815Lys). The frequency data for this variant in the population databases is considered unreliable, as metrics indicate poor data quality at this position in the gnomAD database. This variant has not been reported in the literature in individuals affected with ADGRV1-related conditions. ClinVar contains an entry for this variant (Variation ID: 1005067). Algorithms developed to predict the effect of missense changes on protein structure and function are either unavailable or do not agree on the potential impact of this missense change (SIFT: "Deleterious"; PolyPhen-2: "Possibly Damaging"; Align-GVGD: "Class C0"). In summary, the available evidence is currently insufficient to determine the role of this variant in disease. Therefore, it has been classified as a Variant of Uncertain Significance.